The following is an entry in ClinVar:

NM_000505.4(F12):c.1256C>T (p.Ala419Val)

Gene: F12 (coagulation factor XII; minus strand). Cytogenetic location: 5q35.3.
Variant type: single nucleotide variant.
Coding change: c.1256C>T on transcript NM_000505.4 (MANE Select); coding-DNA position 1256, C replaced by T.
Protein change: p.Ala419Val; replaces alanine 419 with valine.
Molecular consequence: missense variant.
Genome position (GRCh38, 1-based): chr5:177,403,612, G>A on the plus strand (C>T on the coding strand, the complement: F12 is on the minus strand). VCF-style: chr5-177403612-G-A. GRCh37 (hg19) VCF-style: chr5-176830613-G-A.
Other names: short protein forms A419V.
Identifiers: ClinVar variation 1703830 (VCV001703830.1), dbSNP rs1763199851, ClinGen allele CA362326369.

ClinVar aggregate classification (germline): Uncertain significance (1 of 4 stars; one submission).

Conditions:
Thrombus. Identifiers: MedGen C0087086, MeSH D013927.

Allele frequency attached by ClinVar (database versions not stated): gnomAD exomes below 0.00001; gnomAD 0.00001.
gnomAD v4.1: 2 of 1,604,610 alleles (0.00012%); highest among the groups gnomAD compares: Admixed American, 0.0017%; no homozygotes.

Submission:

ISTH-SSC Genomics in Thrombosis and Hemostasis, KU Leuven, Center for Molecular and Vascular Biology
Classification: Uncertain significance for Thrombus. Review status: criteria provided, single submitter. Criteria: ACMG Guidelines, 2015. Collection method: clinical testing. Allele origin: germline. Affected: yes. Observed: 1 heterozygote.
Comment: Submitted to GoldVariant by Kathleen Freson, Center for Molecular and Vascular Biology, Leuven, Belgium